The following is an entry in ClinVar:

ClinVar aggregate classification (germline): Uncertain significance (1 of 4 stars; one submission).

Submission:

Labcorp Genetics (formerly Invitae), Labcorp
Classification: Uncertain significance. Last evaluated: 2022-03-22. Review status: criteria provided, single submitter. Criteria: Invitae Variant Classification Sherloc (09022015). Collection method: clinical testing. Allele origin: germline.
Comment: In summary, the available evidence is currently insufficient to determine the role of this variant in disease. Therefore, it has been classified as a Variant of Uncertain Significance. Advanced modeling of protein sequence and biophysical properties (such as structural, functional, and spatial information, amino acid conservation, physicochemical variation, residue mobility, and thermodynamic stability) performed at Invitae indicates that this missense variant is not expected to disrupt PCYT1A protein function. This variant has not been reported in the literature in individuals affected with PCYT1A-related conditions. This variant is not present in population databases (gnomAD no frequency). This sequence change replaces lysine, which is basic and polar, with glutamine, which is neutral and polar, at codon 8 of the PCYT1A protein (p.Lys8Gln).

NM_001312673.2(PCYT1A):c.22A>C (p.Lys8Gln)

Gene: PCYT1A (phosphate cytidylyltransferase 1A, choline; minus strand). Cytogenetic location: 3q29.
Variant type: single nucleotide variant.
Coding change: c.22A>C on transcript NM_001312673.2 (MANE Select); coding-DNA position 22, A replaced by C.
Protein change: p.Lys8Gln; replaces lysine 8 with glutamine.
Molecular consequence: missense variant.
Genome position (GRCh38, 1-based): chr3:196,270,510, T>G on the plus strand (A>C on the coding strand, the complement: PCYT1A is on the minus strand). VCF-style: chr3-196270510-T-G. GRCh37 (hg19) VCF-style: chr3-195997381-T-G.
Other names: c.22A>C, p.Lys8Gln (NM_005017.4); short protein forms K8Q.
Identifiers: ClinVar variation 2093124 (VCV002093124.4), dbSNP rs2474055335, ClinGen allele CA355594011.